The following is an entry in ClinVar:

ClinVar aggregate classification (germline): Likely pathogenic (1 of 4 stars; one submission).

Conditions:
Nemaline myopathy 2 (NEM2). Also called: Nemaline myopathy 2, autosomal recessive. Identifiers: MedGen C1850569, MONDO:0009725, OMIM 256030.

Submission:

Myriad Genetics, Inc.
Classification: Likely pathogenic for Nemaline myopathy 2. Last evaluated: 2022-03-06. Review status: criteria provided, single submitter. Criteria: Myriad Women's Health Autosomal Recessive and X-Linked Classification Criteria (2021). Collection method: clinical testing. Allele origin: unknown.
Comment: NM_001271208.1(NEB):c.20875delT(Y6959Tfs*23) is expected to be pathogenic in the context of NEB-related nemaline myopathy. This variant is predicted to lead to an abnormal or absent protein product due to the creation of a premature termination codon in NEB, a gene where loss-of-function variants are known to be pathogenic. Please note: this variant was assessed in the context of healthy population screening.

NM_001164508.2(NEB):c.20875del (p.Tyr6959fs)

Gene: NEB (nebulin; minus strand). Cytogenetic location: 2q23.3.
Variant type: Deletion.
Coding change: c.20875del on transcript NM_001164508.2 (MANE Select); coding-DNA position 20875, one base deleted (T; older notation c.20875delT).
Protein change: p.Tyr6959fs; shifts the reading frame from tyrosine 6959.
Molecular consequence: frameshift variant.
Genome position (GRCh38, 1-based): chr2:151,540,361, A deleted on the plus strand (T on the coding strand, the reverse complement: NEB is on the minus strand); the first of 2 consecutive A bases (chr2:151,540,361-151,540,362); deleting either gives the same sequence. VCF-style (leftmost placement, unchanged base first): chr2-151540360-TA-T. GRCh37 (hg19) VCF-style: chr2-152396874-TA-T.
Other names: c.20875del, p.Tyr6959fs (NM_001164507.2, NM_001271208.2); c.15772del, p.Tyr5258fs (NM_004543.5); short protein forms Y5258fs, Y6959fs.
Identifiers: ClinVar variation 1725080 (VCV001725080.2), dbSNP rs2552154867, ClinGen allele CA2580063948.